The following is an entry in ClinVar:

NC_000012.12:g.(?_1909906)_(2556977_?)dup

Genes: DCP1B (decapping mRNA 1B; minus strand), CACNA1C (calcium voltage-gated channel subunit alpha1 C; plus strand), CACNA2D4 (calcium voltage-gated channel auxiliary subunit alpha2delta 4; minus strand). Cytogenetic location: 12p13.33.
Variant type: Duplication.
Identifiers: ClinVar variation 833161 (VCV000833161.7).

ClinVar aggregate classification (germline): Uncertain significance (1 of 4 stars; one submission).

Submission:

Labcorp Genetics (formerly Invitae), Labcorp
Classification: Uncertain significance. Last evaluated: 2023-08-17. Review status: criteria provided, single submitter. Criteria: Invitae Variant Classification Sherloc (09022015). Collection method: clinical testing. Allele origin: germline.
Comment: In summary, the available evidence is currently insufficient to determine the role of this variant in disease. Therefore, it has been classified as a Variant of Uncertain Significance. This variant has not been reported in the literature in individuals affected with CACNA2D4-related conditions. This variant results in a copy number gain of the genomic region encompassing exon(s) 1-4 of the CACNA2D4 gene. This region includes the initiator codon of the gene. This copy number gain extends beyond the assayed region for this gene and therefore may encompass additional genes. As the precise location of this event is unknown, it may be in tandem or it may be located elsewhere in the genome.